The following is an entry in ClinVar:

NM_000435.3(NOTCH3):c.2296+3G>T

Gene: NOTCH3 (notch receptor 3; minus strand). Cytogenetic location: 19p13.12.
Variant type: single nucleotide variant.
Coding change: c.2296+3G>T on transcript NM_000435.3 (MANE Select); 3 bases into the intron after coding-DNA position 2296, G replaced by T.
Molecular consequence: intron variant.
Genome position (GRCh38, 1-based): chr19:15,185,254, C>A on the plus strand (G>T on the coding strand, the complement: NOTCH3 is on the minus strand). VCF-style: chr19-15185254-C-A. GRCh37 (hg19) VCF-style: chr19-15296065-C-A.
Identifiers: ClinVar variation 1162835 (VCV001162835.9), dbSNP rs2145429314, ClinGen allele CA2499225411.

ClinVar aggregate classification (germline): Uncertain significance. Review status: criteria provided, multiple submitters, no conflicts (2 of 4 stars). 2 submissions from 2 submitters: Uncertain significance (2). Last evaluated 2022-09-01.

Allele frequency attached by ClinVar (database versions not stated): gnomAD exomes below 0.00001.
gnomAD v4.1: 2 of 1,613,128 alleles (0.00012%); highest among the groups gnomAD compares: Non-Finnish European, 0.00017%; no homozygotes.

Submissions (2):

Labcorp Genetics (formerly Invitae), Labcorp
Classification: Uncertain significance. Last evaluated: 2022-09-01. Review status: criteria provided, single submitter. Criteria: Invitae Variant Classification Sherloc (09022015). Collection method: clinical testing. Allele origin: germline.
Comment: This variant has not been reported in the literature in individuals affected with NOTCH3-related conditions. In summary, the available evidence is currently insufficient to determine the role of this variant in disease. Therefore, it has been classified as a Variant of Uncertain Significance. Variants that disrupt the consensus splice site are a relatively common cause of aberrant splicing (PMID: 17576681, 9536098). Algorithms developed to predict the effect of sequence changes on RNA splicing suggest that this variant is not likely to affect RNA splicing. ClinVar contains an entry for this variant (Variation ID: 1162835). This variant is not present in population databases (gnomAD no frequency). This sequence change falls in intron 14 of the NOTCH3 gene. It does not directly change the encoded amino acid sequence of the NOTCH3 protein. It affects a nucleotide within the consensus splice site.

Mayo Clinic Laboratories, Mayo Clinic
Classification: Uncertain significance. Last evaluated: 2019-05-26. Review status: criteria provided, single submitter. Criteria: ACMG Guidelines, 2015. Collection method: clinical testing. Allele origin: germline. Observed: 1 variant allele.

Literature cited by the submitters: PubMed 17576681 (cited by Labcorp Genetics (formerly Invitae), Labcorp); PubMed 9536098 (cited by Labcorp Genetics (formerly Invitae), Labcorp).